The following is an entry in ClinVar:

NM_004360.5(CDH1):c.983T>C (p.Val328Ala)

Gene: CDH1 (cadherin 1; plus strand). Cytogenetic location: 16q22.1.
Variant type: single nucleotide variant.
Coding change: c.983T>C on transcript NM_004360.5 (MANE Select); coding-DNA position 983, T replaced by C.
Protein change: p.Val328Ala; replaces valine 328 with alanine.
Molecular consequence: missense variant. On other transcripts: 5 prime UTR variant (2).
Genome position (GRCh38, 1-based): chr16:68,811,834, T>C. VCF-style: chr16-68811834-T-C. GRCh37 (hg19) VCF-style: chr16-68845737-T-C.
Other names: c.983T>C (LRG_301t1); c.983T>C, p.Val328Ala (NM_001317184.2); c.-633T>C (NM_001317185.2); c.-837T>C (NM_001317186.2); short protein forms V328A.
Identifiers: ClinVar variation 641955 (VCV000641955.13), dbSNP rs1597894276, ClinGen allele CA396459860.

ClinVar aggregate classification (germline): Uncertain significance. Review status: criteria provided, multiple submitters, no conflicts (2 of 4 stars). 4 submissions from 4 submitters: Uncertain significance (4). Last evaluated 2026-01-26.

Conditions:
Hereditary diffuse gastric adenocarcinoma (HDGC). Also called: DIFFUSE GASTRIC AND LOBULAR BREAST CANCER SYNDROME. Identifiers: Orphanet 26106, MedGen C1708349, MONDO:0007648, OMIM 137215.
Hereditary cancer-predisposing syndrome. Also called: Neoplastic Syndromes, Hereditary; Hereditary Cancer Syndrome; Hereditary neoplastic syndrome; Tumor predisposition. Identifiers: Orphanet 140162, MedGen C0027672, MeSH D009386, MONDO:0015356.

Submissions (4):

Labcorp Genetics (formerly Invitae), Labcorp
Classification: Uncertain significance for Hereditary diffuse gastric adenocarcinoma. Last evaluated: 2026-01-26. Review status: criteria provided, single submitter. Criteria: Invitae Variant Classification Sherloc (09022015). Collection method: clinical testing. Allele origin: germline.
Comment: This sequence change replaces valine, which is neutral and non-polar, with alanine, which is neutral and non-polar, at codon 328 of the CDH1 protein (p.Val328Ala). This variant is not present in population databases (gnomAD no frequency). This variant has not been reported in the literature in individuals affected with CDH1-related conditions. ClinVar contains an entry for this variant (Variation ID: 641955). An algorithm developed to predict the effect of missense changes on protein structure and function (PolyPhen-2) suggests that this variant is likely to be disruptive. In summary, the available evidence is currently insufficient to determine the role of this variant in disease. Therefore, it has been classified as a Variant of Uncertain Significance.

Ambry Genetics
Classification: Uncertain significance for Hereditary cancer-predisposing syndrome. Last evaluated: 2024-09-24. Review status: criteria provided, single submitter. Criteria: Ambry Variant Classification Scheme 2023. Collection method: clinical testing. Allele origin: germline.
Comment: The p.V328A variant (also known as c.983T>C), located in coding exon 7 of the CDH1 gene, results from a T to C substitution at nucleotide position 983. The valine at codon 328 is replaced by alanine, an amino acid with similar properties. This amino acid position is highly conserved in available vertebrate species. In addition, the in silico prediction for this alteration is inconclusive. Based on the available evidence, the clinical significance of this variant remains unclear.

GeneDx
Classification: Uncertain significance. Last evaluated: 2022-11-04. Review status: criteria provided, single submitter. Criteria: GeneDx Variant Classification Process June 2021. Collection method: clinical testing. Allele origin: germline. Affected: yes.
Comment: Not observed at significant frequency in large population cohorts (gnomAD); In silico analysis supports that this missense variant has a deleterious effect on protein structure/function; Has not been previously published as pathogenic or benign to our knowledge; This variant is associated with the following publications: (PMID: 15235021, 22850631)

Breakthrough Genomics
Classification: Uncertain significance. Review status: criteria provided, single submitter. Criteria: ACMG Guidelines, 2015. Collection method: not provided. Allele origin: germline. Inheritance: Autosomal dominant inheritance. Affected: yes.